The following is an entry in ClinVar:

NM_207111.4(RNF216):c.2442A>G (p.Arg814=)

Gene: RNF216 (ring finger protein 216; minus strand). Cytogenetic location: 7p22.1.
Variant type: single nucleotide variant.
Coding change: c.2442A>G on transcript NM_207111.4 (MANE Select); coding-DNA position 2442, A replaced by G.
Protein change: p.Arg814=; no amino-acid change (arginine 814 retained).
Molecular consequence: synonymous variant.
Genome position (GRCh38, 1-based): chr7:5,624,066, T>C on the plus strand (A>G on the coding strand, the complement: RNF216 is on the minus strand). VCF-style: chr7-5624066-T-C. GRCh37 (hg19) VCF-style: chr7-5663697-T-C.
Other names: c.2271A>G, p.Arg757= (NM_001377156.1, NM_207116.3).
Identifiers: ClinVar variation 5039269 (VCV005039269.1).

ClinVar aggregate classification (germline): Likely benign (1 of 4 stars; one submission).

gnomAD v4.1: 6 of 1,613,534 alleles (0.00037%); highest among the groups gnomAD compares: African/African-American, 0.0013%; no homozygotes.

Submission:

CeGaT Center for Human Genetics Tuebingen
Classification: Likely benign. Last evaluated: 2026-07-01. Review status: criteria provided, single submitter. Criteria: CeGaT Center For Human Genetics Tuebingen Variant Classification Criteria Version 2. Collection method: clinical testing. Allele origin: germline. Affected: yes. Observed: 1 variant allele.
Comment: RNF216: BP4, BP7